The following is an entry in ClinVar:

ClinVar aggregate classification (germline): Uncertain significance. Review status: criteria provided, single submitter (1 of 4 stars). 2 submissions from 2 submitters: Uncertain significance (1). 1 of the submissions does not count toward it. Last evaluated 2018-01-12.

Conditions:
Telangiectasia, hereditary hemorrhagic, type 1 (HHT1). Also called: Osler Weber Rendu syndrome type 1; ENG-Related Hereditary Hemorrhagic Telangiectasia. Identifiers: Orphanet 774, MedGen C4551861, MONDO:0008535, OMIM 187300. Disease mechanism: loss of function.
ENG-related disorder. Also called: ENG-related condition; ENG-related disorders.

Allele frequency attached by ClinVar (database versions not stated): TOPMed 0.00005.
gnomAD v4.1: 54 of 1,569,890 alleles (0.0034%); highest among the groups gnomAD compares: Non-Finnish European, 0.0042%; no homozygotes.

Submissions (2):

Illumina Laboratory Services, Illumina
Classification: Uncertain significance for Telangiectasia, hereditary hemorrhagic, type 1. Last evaluated: 2018-01-12. Review status: criteria provided, single submitter. Criteria: ICSL Variant Classification Criteria 13 December 2019. Collection method: clinical testing. Allele origin: germline.

PreventionGenetics, part of Exact Sciences
Classification: Likely benign for ENG-related condition. Last evaluated: 2023-05-02. Review status: no assertion criteria provided. Collection method: clinical testing. Allele origin: germline. Not counted in ClinVar's aggregate classification.
Comment: This variant is classified as likely benign based on ACMG/AMP sequence variant interpretation guidelines (Richards et al. 2015 PMID: 25741868, with internal and published modifications).

NM_001114753.3(ENG):c.1852+51C>G

Gene: ENG (endoglin; minus strand). Cytogenetic location: 9q34.11.
Variant type: single nucleotide variant.
Coding change: c.1852+51C>G on transcript NM_001114753.3 (MANE Select); 51 bases into the intron after coding-DNA position 1852, C replaced by G.
Molecular consequence: intron variant.
Genome position (GRCh38, 1-based): chr9:127,815,892, G>C on the plus strand (C>G on the coding strand, the complement: ENG is on the minus strand). VCF-style: chr9-127815892-G-C. GRCh37 (hg19) VCF-style: chr9-130578171-G-C.
Other names: c.1852+51C>G (NM_001114753.2); c.*25C>G (NM_000118.4); c.1306+51C>G (NM_001278138.2).
Identifiers: ClinVar variation 914988 (VCV000914988.8), dbSNP rs373626498, ClinGen allele CA5252608.